The following is an entry in ClinVar:

ClinVar aggregate classification (germline): Pathogenic (1 of 4 stars; one submission).

Conditions:
Neuromuscular disease caused by qualitative or quantitative defects of dysferlin. Also called: Qualitative or quantitative defects of dysferlin; Dysferlinopathy. Identifiers: Orphanet 207073, MedGen C2931687, MONDO:0016145.

Submission:

Labcorp Genetics (formerly Invitae), Labcorp
Classification: Pathogenic for Neuromuscular disease caused by qualitative or quantitative defects of dysferlin. Last evaluated: 2022-10-28. Review status: criteria provided, single submitter. Criteria: Invitae Variant Classification Sherloc (09022015). Collection method: clinical testing. Allele origin: germline.
Comment: For these reasons, this variant has been classified as Pathogenic. Algorithms developed to predict the effect of sequence changes on RNA splicing suggest that this variant may disrupt the consensus splice site. Disruption of this splice site has been observed in individuals with clinical features of DYSF-related conditions (Invitae). This variant is not present in population databases (gnomAD no frequency). This sequence change affects an acceptor splice site in intron 20 of the DYSF gene. It is expected to disrupt RNA splicing. Variants that disrupt the donor or acceptor splice site typically lead to a loss of protein function (PMID: 16199547), and loss-of-function variants in DYSF are known to be pathogenic (PMID: 17698709, 20301480).

Literature cited by the submitters: PubMed 16199547; PubMed 17698709; PubMed 20301480.

NM_001130987.2(DYSF):c.1985-2A>G

Gene: DYSF (dysferlin; plus strand). Cytogenetic location: 2p13.2.
Variant type: single nucleotide variant.
Coding change: c.1985-2A>G on transcript NM_001130987.2 (MANE Select); the canonical splice acceptor site of the intron before coding-DNA position 1985, A replaced by G.
Molecular consequence: splice acceptor variant.
Genome position (GRCh38, 1-based): chr2:71,553,805, A>G. VCF-style: chr2-71553805-A-G. GRCh37 (hg19) VCF-style: chr2-71780935-A-G.
Other names: c.2024-2A>G (NM_001130979.2); c.1982-2A>G (NM_001130981.2, NM_001130980.2); c.1931-2A>G (NM_001130978.2, NM_003494.4); c.1889-2A>G (NM_001130977.2, NM_001130976.2); c.2027-2A>G (NM_001130982.2); c.1985-2A>G (NM_001130985.2); c.1934-2A>G (NM_001130983.2, NM_001130455.2); c.1892-2A>G (NM_001130984.2, NM_001130986.2).
Identifiers: ClinVar variation 1974745 (VCV001974745.5), dbSNP rs2545694414, ClinGen allele CA347218783.